The following is an entry in ClinVar:

ClinVar aggregate classification (germline): Uncertain significance. Review status: criteria provided, multiple submitters, no conflicts (2 of 4 stars). 2 submissions from 2 submitters: Uncertain significance (2). Last evaluated 2023-12-04.

Conditions:
Osteogenesis imperfecta type I (OI1). Also called: Lobstein disease; OI, TYPE I; OSTEOGENESIS IMPERFECTA TARDA; OSTEOGENESIS IMPERFECTA WITH BLUE SCLERAE; Osteogenesis imperfecta type 1; Lobstein's Disease. Identifiers: Orphanet 216796, Orphanet 666, MedGen C0023931, MONDO:0008146, OMIM 166200. Disease mechanism: loss of function.
Ehlers-Danlos syndrome, classic type, 1 (EDSCL1). Also called: EDS I; EHLERS-DANLOS SYNDROME, GRAVIS TYPE; EHLERS-DANLOS SYNDROME, SEVERE CLASSIC TYPE; Ehlers-Danlos syndrome, type 1; Ehlers-Danlos Syndrome, Classic Type, COL5A1-Related. Identifiers: MedGen C0268335, MONDO:0019567, OMIM 130000.

Allele frequency attached by ClinVar (database versions not stated): gnomAD 0.00001; gnomAD exomes 0.00001; 1000 Genomes Project 30x 0.00016; ExAC 0.00003; 1000 Genomes Project 0.00020.

Submissions (2):

ARUP Laboratories, Molecular Genetics and Genomics, ARUP Laboratories
Classification: Uncertain significance. Last evaluated: 2023-12-04. Review status: criteria provided, single submitter. Criteria: ARUP Molecular Germline Variant Investigation Process 2024. Collection method: clinical testing. Allele origin: germline.
Comment: The COL1A2 c.1503+5G>A variant (rs566826739), to our knowledge, is not reported in the medical literature or gene specific databases. This variant is found in South Asian population with an allele frequency of 0.016% (5/30,592 alleles) in the Genome Aggregation Database (v2.1.1). This is an intronic variant in a highly conserved nucleotide, and computational analyses (Alamut Visual Plus v.1.5.1) predict that this variant may impact splicing by weakening the nearby canonical donor splice site. However, further study is needed to determine the functional impact. Due to limited information, the clinical significance of this variant is uncertain at this time.

Labcorp Genetics (formerly Invitae), Labcorp
Classification: Uncertain significance for Osteogenesis imperfecta type I; Ehlers-Danlos syndrome, classic type, 1. Last evaluated: 2022-11-22. Review status: criteria provided, single submitter. Criteria: Invitae Variant Classification Sherloc (09022015). Collection method: clinical testing. Allele origin: germline.
Comment: This sequence change falls in intron 25 of the COL1A2 gene. It does not directly change the encoded amino acid sequence of the COL1A2 protein. It affects a nucleotide within the consensus splice site. This variant is present in population databases (rs566826739, gnomAD 0.02%). This variant has not been reported in the literature in individuals affected with COL1A2-related conditions. Variants that disrupt the consensus splice site are a relatively common cause of aberrant splicing (PMID: 17576681, 9536098). Algorithms developed to predict the effect of sequence changes on RNA splicing suggest that this variant may disrupt the consensus splice site. In summary, the available evidence is currently insufficient to determine the role of this variant in disease. Therefore, it has been classified as a Variant of Uncertain Significance.

Literature cited by the submitters: PubMed 17576681 (cited by Labcorp Genetics (formerly Invitae), Labcorp); PubMed 9536098 (cited by Labcorp Genetics (formerly Invitae), Labcorp).

NM_000089.4(COL1A2):c.1503+5G>A

Gene: COL1A2 (collagen type I alpha 2 chain; plus strand). Cytogenetic location: 7q21.3.
Variant type: single nucleotide variant.
Coding change: c.1503+5G>A on transcript NM_000089.4 (MANE Select); 5 bases into the intron after coding-DNA position 1503, G replaced by A.
Molecular consequence: intron variant.
Genome position (GRCh38, 1-based): chr7:94,412,687, G>A. VCF-style: chr7-94412687-G-A. GRCh37 (hg19) VCF-style: chr7-94041999-G-A.
Identifiers: ClinVar variation 2927258 (VCV002927258.4), dbSNP rs566826739, ClinGen allele CA4347073.